The following is an entry in ClinVar:

ClinVar aggregate classification (germline): Pathogenic (1 of 4 stars; one submission).

Conditions:
PRPH2-related disorder. Also called: PRPH2-related condition; PRPH2-related disorders. Identifiers: MedGen CN239395.

Submission:

Labcorp Genetics (formerly Invitae), Labcorp
Classification: Pathogenic for PRPH2-related disorder. Last evaluated: 2020-07-12. Review status: criteria provided, single submitter. Criteria: Invitae Variant Classification Sherloc (09022015). Collection method: clinical testing. Allele origin: germline.
Comment: For these reasons, this variant has been classified as Pathogenic. Loss-of-function variants in PRPH2 are known to be pathogenic (PMID: 8111389, 8485576, 8675410, 16916875, 17504850, 25675413, 26061163, 27365499, 29555955). This variant has not been reported in the literature in individuals with PRPH2-related conditions. This variant is not present in population databases (ExAC no frequency). This sequence change creates a premature translational stop signal (p.Val69Glyfs*108) in the PRPH2 gene. It is expected to result in an absent or disrupted protein product.

Literature cited by the submitters: PubMed 8111389; PubMed 8485576; PubMed 8675410; PubMed 16916875; PubMed 17504850; PubMed 25675413; PubMed 26061163; PubMed 27365499; PubMed 29555955.

NM_000322.5(PRPH2):c.205dup (p.Val69fs)

Gene: PRPH2 (peripherin 2; minus strand). Cytogenetic location: 6p21.1.
Variant type: Duplication.
Coding change: c.205dup on transcript NM_000322.5 (MANE Select); coding-DNA position 205, one base duplicated (G; older notation c.205dupG).
Protein change: p.Val69fs; shifts the reading frame from valine 69.
Molecular consequence: frameshift variant.
Genome position (GRCh38, 1-based): chr6:42,722,130, C duplicated on the plus strand (G on the coding strand, the reverse complement: PRPH2 is on the minus strand); the first of 5 consecutive C bases (chr6:42,722,130-42,722,134); duplicating any one gives the same sequence. VCF-style (leftmost placement, unchanged base first): chr6-42722129-A-AC. GRCh37 (hg19) VCF-style: chr6-42689867-A-AC.
Other names: short protein forms V69fs.
Identifiers: ClinVar variation 1073033 (VCV001073033.7), dbSNP rs1761916286, ClinGen allele CA2499218308.